The following is an entry in ClinVar:

NM_014956.5(CEP164):c.2690G>A (p.Arg897Gln)

Gene: CEP164 (centrosomal protein 164; plus strand). Cytogenetic location: 11q23.3.
Variant type: single nucleotide variant.
Coding change: c.2690G>A on transcript NM_014956.5 (MANE Select); coding-DNA position 2690, G replaced by A.
Protein change: p.Arg897Gln; replaces arginine 897 with glutamine.
Molecular consequence: missense variant.
Genome position (GRCh38, 1-based): chr11:117,394,423, G>A. VCF-style: chr11-117394423-G-A. GRCh37 (hg19) VCF-style: chr11-117265139-G-A.
Other names: c.2699G>A, p.Arg900Gln (NM_001271933.2); c.2690G>A (NM_014956.4); short protein forms R900Q, R897Q.
Identifiers: ClinVar variation 1394544 (VCV001394544.7), dbSNP rs1387200155, ClinGen allele CA382728181.

ClinVar aggregate classification (germline): Uncertain significance. Review status: criteria provided, multiple submitters, no conflicts (2 of 4 stars). 3 submissions from 3 submitters: Uncertain significance (3). Last evaluated 2026-09-21.

Conditions:
Nephronophthisis 15 (NPHP15). Identifiers: Orphanet 3156, MedGen C3541853, MONDO:0013917, OMIM 614845.
CEP164-related disorder. Also called: CEP164-related condition.

Allele frequency attached by ClinVar (database versions not stated): TOPMed below 0.00001.
gnomAD v4.1: 11 of 1,613,952 alleles (0.00068%); highest among the groups gnomAD compares: Non-Finnish European, 0.00093%; no homozygotes.

Submissions (3):

PreventionGenetics, part of Exact Sciences
Classification: Uncertain significance for CEP164-related condition. Last evaluated: 2026-09-21. Review status: criteria provided, single submitter. Criteria: ACMG Guidelines, 2015. Collection method: clinical testing. Allele origin: germline.
Comment: The CEP164 c.2690G>A variant is predicted to result in the amino acid substitution p.Arg897Gln. To our knowledge, this variant has not been reported in the literature or in a large population database (gnomAD), indicating this variant is rare. At this time, the clinical significance of this variant is uncertain due to the absence of conclusive functional and genetic evidence.

Fulgent Genetics
Classification: Uncertain significance for Nephronophthisis 15. Last evaluated: 2023-12-29. Review status: criteria provided, single submitter. Criteria: ACMG Guidelines, 2015. Collection method: clinical testing. Allele origin: germline.

Labcorp Genetics (formerly Invitae), Labcorp
Classification: Uncertain significance for Nephronophthisis 15. Last evaluated: 2023-07-29. Review status: criteria provided, single submitter. Criteria: Invitae Variant Classification Sherloc (09022015). Collection method: clinical testing. Allele origin: germline.
Comment: In summary, the available evidence is currently insufficient to determine the role of this variant in disease. Therefore, it has been classified as a Variant of Uncertain Significance. Advanced modeling of protein sequence and biophysical properties (such as structural, functional, and spatial information, amino acid conservation, physicochemical variation, residue mobility, and thermodynamic stability) performed at Invitae indicates that this missense variant is not expected to disrupt CEP164 protein function. ClinVar contains an entry for this variant (Variation ID: 1394544). This variant has not been reported in the literature in individuals affected with CEP164-related conditions. This variant is not present in population databases (gnomAD no frequency). This sequence change replaces arginine, which is basic and polar, with glutamine, which is neutral and polar, at codon 897 of the CEP164 protein (p.Arg897Gln).